The following is an entry in ClinVar:

ClinVar aggregate classification (germline): Uncertain significance (1 of 4 stars; one submission).

Submission:

Labcorp Genetics (formerly Invitae), Labcorp
Classification: Uncertain significance. Last evaluated: 2022-06-30. Review status: criteria provided, single submitter. Criteria: Invitae Variant Classification Sherloc (09022015). Collection method: clinical testing. Allele origin: germline.
Comment: Algorithms developed to predict the effect of missense changes on protein structure and function (SIFT, PolyPhen-2, Align-GVGD) all suggest that this variant is likely to be tolerated. In summary, the available evidence is currently insufficient to determine the role of this variant in disease. Therefore, it has been classified as a Variant of Uncertain Significance. This sequence change replaces glutamine, which is neutral and polar, with lysine, which is basic and polar, at codon 29 of the RPL15 protein (p.Gln29Lys). This variant is not present in population databases (gnomAD no frequency). This variant has not been reported in the literature in individuals affected with RPL15-related conditions.

NM_002948.5(RPL15):c.85C>A (p.Gln29Lys)

Genes: NKIRAS1 (NFKB inhibitor interacting Ras like 1; minus strand), RPL15 (ribosomal protein L15; plus strand). Cytogenetic location: 3p24.2.
Variant type: single nucleotide variant.
Coding change: c.85C>A on transcript NM_002948.5 (MANE Select); coding-DNA position 85, C replaced by A.
Protein change: p.Gln29Lys; replaces glutamine 29 with lysine.
Molecular consequence: missense variant. On other transcripts: intron variant (1).
Genome position (GRCh38, 1-based): chr3:23,917,944, C>A. VCF-style: chr3-23917944-C-A. GRCh37 (hg19) VCF-style: chr3-23959435-C-A.
Other names: c.85C>A, p.Gln29Lys (NM_001253379.2, NM_001253380.2, NM_001253382.2 and 2 more transcripts); c.-139-6494G>T (NM_001377380.1); short protein forms Q29K.
Identifiers: ClinVar variation 2417517 (VCV002417517.42), dbSNP rs2471214687, ClinGen allele CA351881266.